The following is an entry in ClinVar:

ClinVar aggregate classification (germline): Likely benign (0 of 4 stars; one submission).

Conditions:
ACTN1-related disorder. Also called: ACTN1-related condition.

Allele frequency attached by ClinVar (database versions not stated): gnomAD exomes below 0.00001; TOPMed below 0.00001; gnomAD 0.00001.
gnomAD v4.1: 3 of 1,612,510 alleles (0.00019%); highest among the groups gnomAD compares: East Asian, 0.0067%; no homozygotes.

Submission:

PreventionGenetics, part of Exact Sciences
Classification: Likely benign for ACTN1-related condition. Last evaluated: 2021-02-23. Review status: no assertion criteria provided. Collection method: clinical testing. Allele origin: germline.
Comment: This variant is classified as likely benign based on ACMG/AMP sequence variant interpretation guidelines (Richards et al. 2015 PMID: 25741868, with internal and published modifications).

NM_001130004.2(ACTN1):c.2587-4G>A

Gene: ACTN1 (actinin alpha 1; minus strand). Cytogenetic location: 14q24.1.
Variant type: single nucleotide variant.
Coding change: c.2587-4G>A on transcript NM_001130004.2 (MANE Select); 4 bases into the intron before coding-DNA position 2587, G replaced by A.
Molecular consequence: intron variant. On other transcripts: synonymous variant (3).
Genome position (GRCh38, 1-based): chr14:68,875,021, C>T on the plus strand (G>A on the coding strand, the complement: ACTN1 is on the minus strand). VCF-style: chr14-68875021-C-T. GRCh37 (hg19) VCF-style: chr14-69341738-C-T.
Other names: c.2646G>A, p.Ser882= (NM_001424012.1); c.2631G>A, p.Ser877= (NM_001424014.1); c.2463G>A, p.Ser821= (NM_001424019.1); c.2257-4G>A (NM_001424029.1); c.2323-4G>A (NM_001424027.1); c.2338-4G>A (NM_001424025.1); c.2404-4G>A (NM_001424024.1); c.2440-4G>A (NM_001424023.1); and 14 more.
Identifiers: ClinVar variation 3031552 (VCV003031552.2), dbSNP rs1424478012, ClinGen allele CA615188821.